The following is an entry in ClinVar:

ClinVar aggregate classification (germline): Likely pathogenic (1 of 4 stars; one submission).

Submission:

Athena Diagnostics
Classification: Likely pathogenic. Last evaluated: 2024-07-03. Review status: criteria provided, single submitter. Criteria: Athena Diagnostics Criteria. Collection method: clinical testing. Allele origin: unknown.
Comment: This variant is expected to result in the loss of a functional protein. This variant has not been reported in large, multi-ethnic general populations.

NM_023110.3(FGFR1):c.834_835insTTCAT (p.Val279fs)

Gene: FGFR1 (fibroblast growth factor receptor 1; minus strand). Cytogenetic location: 8p11.23.
Variant type: Insertion.
Coding change: c.834_835insTTCAT on transcript NM_023110.3 (MANE Select); coding-DNA positions 834 to 835, TTCAT inserted.
Protein change: p.Val279fs; shifts the reading frame from valine 279.
Molecular consequence: frameshift variant.
Genome position: GRCh38 VCF-style: chr8-38424610-C-CATGAA. GRCh37 (hg19) VCF-style: chr8-38282128-C-CATGAA.
Other names: c.834_835insTTCAT, p.Val279fs (NM_001174063.2); c.810_811insTTCAT, p.Val271fs (NM_001174064.2); c.828_829insTTCAT, p.Val277fs (NM_001174065.2, NM_001354367.2, NM_001354369.2 and 2 more transcripts); c.567_568insTTCAT, p.Val190fs (NM_001174066.2, NM_023105.3); c.927_928insTTCAT, p.Val310fs (NM_001174067.2); c.561_562insTTCAT, p.Val188fs (NM_001354368.2, NM_001354370.2, NM_023106.3); short protein forms V188fs, V277fs, V190fs, V271fs, V279fs, V310fs.
Identifiers: ClinVar variation 3571993 (VCV003571993.1).